The following is an entry in ClinVar:

ClinVar aggregate classification (germline): Uncertain significance (1 of 4 stars; one submission).

Conditions:
Hereditary cancer-predisposing syndrome. Also called: Hereditary Cancer Syndrome; Hereditary neoplastic syndrome; Neoplastic Syndromes, Hereditary; Tumor predisposition. Identifiers: Orphanet 140162, MedGen C0027672, MeSH D009386, MONDO:0015356.

Submission:

Ambry Genetics
Classification: Uncertain significance for Hereditary cancer-predisposing syndrome. Last evaluated: 2022-03-16. Review status: criteria provided, single submitter. Criteria: Ambry Variant Classification Scheme 2023. Collection method: clinical testing. Allele origin: germline.
Comment: The p.A1914P variant (also known as c.5740G>C), located in coding exon 26 of the DICER1 gene, results from a G to C substitution at nucleotide position 5740. The alanine at codon 1914 is replaced by proline, an amino acid with highly similar properties. This amino acid position is conserved. In addition, this alteration is predicted to be deleterious by in silico analysis. Since supporting evidence is limited at this time, the clinical significance of this alteration remains unclear.

NM_177438.3(DICER1):c.5740G>C (p.Ala1914Pro)

Gene: DICER1 (dicer 1, ribonuclease III; minus strand). Cytogenetic location: 14q32.13.
Variant type: single nucleotide variant.
Coding change: c.5740G>C on transcript NM_177438.3 (MANE Select); coding-DNA position 5740, G replaced by C.
Protein change: p.Ala1914Pro; replaces alanine 1914 with proline.
Molecular consequence: missense variant. On other transcripts: 3 prime UTR variant (1), non-coding transcript variant (6).
Genome position (GRCh38, 1-based): chr14:95,090,527, C>G on the plus strand (G>C on the coding strand, the complement: DICER1 is on the minus strand). VCF-style: chr14-95090527-C-G. GRCh37 (hg19) VCF-style: chr14-95556864-C-G.
Other names: c.*87G>C (NM_001195573.1); c.5740G>C, p.Ala1914Pro (NM_001271282.3, NM_001291628.2, NM_001395677.1 and 8 more transcripts); c.5458G>C, p.Ala1820Pro (NM_001395686.1); c.5335G>C, p.Ala1779Pro (NM_001395687.1, NM_001395688.1, NM_001395689.1 and 1 more transcripts); c.5173G>C, p.Ala1725Pro (NM_001395691.1); c.4057G>C, p.Ala1353Pro (NM_001395697.1); short protein forms A1725P, A1779P, A1353P, A1820P, A1914P.
Identifiers: ClinVar variation 1749390 (VCV001749390.2), dbSNP rs2139765544, ClinGen allele CA390862971.